The following is an entry in ClinVar:

NM_002354.3(EPCAM):c.314T>A (p.Phe105Tyr)

Gene: EPCAM (epithelial cell adhesion molecule; plus strand). Cytogenetic location: 2p21.
Variant type: single nucleotide variant.
Coding change: c.314T>A on transcript NM_002354.3 (MANE Select); coding-DNA position 314, T replaced by A.
Protein change: p.Phe105Tyr; replaces phenylalanine 105 with tyrosine.
Molecular consequence: missense variant.
Genome position (GRCh38, 1-based): chr2:47,373,937, T>A. VCF-style: chr2-47373937-T-A. GRCh37 (hg19) VCF-style: chr2-47601076-T-A.
Other names: short protein forms F105Y.
Identifiers: ClinVar variation 1728182 (VCV001728182.2), dbSNP rs924742537, ClinGen allele CA46691723.

ClinVar aggregate classification (germline): Uncertain significance (1 of 4 stars; one submission).

Conditions:
Hereditary cancer-predisposing syndrome. Also called: Tumor predisposition; Neoplastic Syndromes, Hereditary; Hereditary Cancer Syndrome; Hereditary neoplastic syndrome. Identifiers: Orphanet 140162, MedGen C0027672, MeSH D009386, MONDO:0015356.

Allele frequency attached by ClinVar (database versions not stated): gnomAD exomes below 0.00001; gnomAD 0.00001.
gnomAD v4.1: 4 of 1,613,908 alleles (0.00025%); highest among the groups gnomAD compares: African/African-American, 0.0013%; no homozygotes.

Submission:

Ambry Genetics
Classification: Uncertain significance for Hereditary cancer-predisposing syndrome. Last evaluated: 2024-02-20. Review status: criteria provided, single submitter. Criteria: Ambry Variant Classification Scheme 2023. Collection method: clinical testing. Allele origin: germline.
Comment: The p.F105Y variant (also known as c.314T>A), located in coding exon 3 of the EPCAM gene, results from a T to A substitution at nucleotide position 314. The phenylalanine at codon 105 is replaced by tyrosine, an amino acid with highly similar properties. This amino acid position is conserved. In addition, the in silico prediction for this alteration is inconclusive. Since supporting evidence is limited at this time, the clinical significance of this alteration remains unclear.